The following is an entry in ClinVar:

ClinVar aggregate classification (germline): Pathogenic (1 of 4 stars; one submission).

Conditions:
Myofibrillar myopathy 4. Also called: Zaspopathy (type). Identifiers: Orphanet 98912, MedGen C4721886, MONDO:0012277, OMIM 609452.

Submission:

Labcorp Genetics (formerly Invitae), Labcorp
Classification: Pathogenic for Myofibrillar myopathy 4. Last evaluated: 2024-04-17. Review status: criteria provided, single submitter. Criteria: Invitae Variant Classification Sherloc (09022015). Collection method: clinical testing. Allele origin: germline.
Comment: The LDB3 gene has multiple clinically relevant transcripts. This variant occurs in alternate transcript NM_007078.3, and corresponds to NM_001080116.1:c.196C>T in the primary transcript. This sequence change creates a premature translational stop signal (p.Gln66*) in the LDB3 gene. It is expected to result in an absent or disrupted protein product in both transcripts. However, loss-of-function variants in LDB3 are only known to be pathogenic in the alternate transcript (PMID: 36253531). This variant is not present in population databases (gnomAD no frequency). This variant has not been reported in the literature in individuals affected with LDB3-related conditions. ClinVar contains an entry for this variant (Variation ID: 532932). For these reasons, this variant has been classified as Pathogenic.

Literature cited by the submitters: PubMed 36253531.

NM_007078.3(LDB3):c.196C>T (p.Gln66Ter)

Gene: LDB3 (LIM domain binding 3; plus strand). Cytogenetic location: 10q23.2.
Variant type: single nucleotide variant.
Coding change: c.196C>T on transcript NM_007078.3 (MANE Select); coding-DNA position 196, C replaced by T.
Protein change: p.Gln66Ter; replaces glutamine 66 with a stop codon.
Molecular consequence: nonsense.
Genome position (GRCh38, 1-based): chr10:86,679,469, C>T. VCF-style: chr10-86679469-C-T. GRCh37 (hg19) VCF-style: chr10-88439226-C-T.
Other names: c.196C>T, p.Gln66Ter (NM_001080116.1, NM_001080114.2, NM_001080115.2 and 8 more transcripts); short protein forms Q66*.
Identifiers: ClinVar variation 532932 (VCV000532932.7), dbSNP rs1554849100, ClinGen allele CA377451403.